The following is an entry in ClinVar:

NM_003872.3(NRP2):c.1678A>G (p.Ile560Val)

Gene: NRP2 (neuropilin 2; plus strand). Cytogenetic location: 2q33.3.
Variant type: single nucleotide variant.
Coding change: c.1678A>G on transcript NM_003872.3 (MANE Select); coding-DNA position 1678, A replaced by G.
Protein change: p.Ile560Val; replaces isoleucine 560 with valine.
Molecular consequence: missense variant.
Genome position (GRCh38, 1-based): chr2:205,745,782, A>G. VCF-style: chr2-205745782-A-G. GRCh37 (hg19) VCF-style: chr2-206610506-A-G.
Other names: c.1678A>G, p.Ile560Val (NM_018534.4, NM_201266.2, NM_201267.2 and 1 more transcripts); short protein forms I560V.
Identifiers: ClinVar variation 4999522 (VCV004999522.1).

ClinVar aggregate classification (germline): Uncertain significance (1 of 4 stars; one submission).

Conditions:
NRP2-related disorder. Also called: NRP2-related condition.

gnomAD v4.1: 2 of 1,614,208 alleles (0.00012%); highest among the groups gnomAD compares: Non-Finnish European, 0.00017%; no homozygotes.

Submission:

PreventionGenetics, part of Exact Sciences
Classification: Uncertain significance for NRP2-related condition. Last evaluated: 2026-09-11. Review status: criteria provided, single submitter. Criteria: ACMG Guidelines, 2015. Collection method: clinical testing. Allele origin: germline.
Comment: The NRP2 c.1678A>G variant is predicted to result in the amino acid substitution p.Ile560Val. To our knowledge, this variant has not been reported in the literature or in a large population database (gnomAD), indicating this variant is rare. At this time, the clinical significance of this variant is uncertain due to the absence of conclusive functional and genetic evidence.